The following is an entry in ClinVar:

NM_000077.5(CDKN2A):c.127A>G (p.Ser43Gly)

Gene: CDKN2A (cyclin dependent kinase inhibitor 2A; minus strand). Cytogenetic location: 9p21.3.
Variant type: single nucleotide variant.
Coding change: c.127A>G on transcript NM_000077.5; coding-DNA position 127, A replaced by G.
Protein change: p.Ser43Gly; replaces serine 43 with glycine.
Molecular consequence: missense variant (on NM_000077.6). On other transcripts: intron variant (2).
Genome position (GRCh38, 1-based): chr9:21,974,701, T>C on the plus strand (A>G on the coding strand, the complement: CDKN2A is on the minus strand). VCF-style: chr9-21974701-T-C. GRCh37 (hg19) VCF-style: chr9-21974700-T-C.
Other names: c.127A>G, p.Ser43Gly (NM_000077.6, NM_001195132.2, NM_058197.5); c.-3-3493A>G (NM_001363763.2); c.194-3493A>G (NM_058195.4); short protein forms S43G.
Identifiers: ClinVar variation 630389 (VCV000630389.21), dbSNP rs766854048, ClinGen allele CA5012310.
Genomic context (GRCh38, chr9:21,974,701, plus strand): 5'-CGCCATCCCCTGCTCCCGCTGCAGACCCTCTACCCACCTGGATCGGCCTCCGACCGTAAC[T>C]ATTCGGTGCGTTGGGCAGCGCCCCCGCCTCCAGCAGCGCCCGCACCTCCTCTACCCGACC-3'
Protein context (NP_000068.1, residues 33-53): EAGALPNAPN[Ser43Gly]YGRRPIQVMM

ClinVar aggregate classification (germline): Uncertain significance. Review status: criteria provided, multiple submitters, no conflicts (2 of 4 stars). 6 submissions from 6 submitters: Uncertain significance (6). Last evaluated 2026-04-28.

Conditions:
Melanoma-pancreatic cancer syndrome. Identifiers: Orphanet 404560, MedGen C1838547, MONDO:0011713, OMIM 606719. Disease mechanism: loss of function.
CDKN2A-related disorder. Also called: CDKN2A-related condition.
Hereditary cancer-predisposing syndrome. Also called: Neoplastic Syndromes, Hereditary; Tumor predisposition; Hereditary neoplastic syndrome; Hereditary Cancer Syndrome. Identifiers: Orphanet 140162, MedGen C0027672, MeSH D009386, MONDO:0015356.
Familial melanoma. Also called: Hereditary melanoma; Hereditary cutaneous melanoma. Identifiers: Orphanet 618, MedGen C1512419, MONDO:0018961.

Allele frequency attached by ClinVar (database versions not stated): gnomAD exomes below 0.00001 and 0.00001; TOPMed below 0.00001; gnomAD 0.00001; ExAC 0.00002.
gnomAD v4.1: 4 of 1,613,474 alleles (0.00025%); highest among the groups gnomAD compares: Admixed American, 0.0017%; no homozygotes.

Submissions (6):

PreventionGenetics, part of Exact Sciences
Classification: Uncertain significance for CDKN2A-related condition. Last evaluated: 2026-04-28. Review status: criteria provided, single submitter. Criteria: ACMG Guidelines, 2015. Collection method: clinical testing. Allele origin: germline.
Comment: The CDKN2A c.127A>G variant is predicted to result in the amino acid substitution p.Ser43Gly. To our knowledge, this variant has not been reported in the literature. This variant is reported in 0.0018% of alleles in individuals of European (Non-Finnish) descent in gnomAD. This variant is interpreted as uncertain in ClinVar (Variation ID: 630389). At this time, the clinical significance of this variant is uncertain due to the absence of conclusive functional and genetic evidence.

Color Diagnostics, LLC DBA Color Health
Classification: Uncertain significance for Hereditary cancer-predisposing syndrome. Last evaluated: 2025-05-13. Review status: criteria provided, single submitter. Criteria: ACMG Guidelines, 2015. Collection method: clinical testing. Allele origin: germline.
Comment: The CDKN2A locus encodes two different gene products, p16INK4a and p14ARF. This missense variant replaces serine with glycine at codon 43 of the CDKN2A (p16INK4A) protein. Computational prediction suggests that this variant may not impact protein structure and function. To our knowledge, functional studies have not been performed for this variant. This variant has not been reported in individuals affected with hereditary cancer in the literature. This variant has been identified in 2/246532 chromosomes in the general population by the Genome Aggregation Database (gnomAD). The available evidence is insufficient to determine the role of this variant in disease conclusively. Therefore, this variant is classified as a Variant of Uncertain Significance.

Ambry Genetics
Classification: Uncertain significance for Hereditary cancer-predisposing syndrome. Last evaluated: 2025-01-29. Review status: criteria provided, single submitter. Criteria: Ambry Variant Classification Scheme 2023. Collection method: clinical testing. Allele origin: germline.
Comment: The p.S43G variant (also known as c.127A>G), located in coding exon 1 of the CDKN2A gene, results from an A to G substitution at nucleotide position 127. The serine at codon 43 is replaced by glycine, an amino acid with similar properties. This amino acid position is poorly conserved in available vertebrate species. In addition, this alteration is predicted to be tolerated by in silico analysis. Based on the available evidence, the clinical significance of this variant remains unclear.

Labcorp Genetics (formerly Invitae), Labcorp
Classification: Uncertain significance for Familial melanoma. Last evaluated: 2024-08-07. Review status: criteria provided, single submitter. Criteria: Invitae Variant Classification Sherloc (09022015). Collection method: clinical testing. Allele origin: germline.
Comment: This sequence change replaces serine, which is neutral and polar, with glycine, which is neutral and non-polar, at codon 43 of the CDKN2A (p16INK4a) protein (p.Ser43Gly). This variant is present in population databases (rs766854048, gnomAD 0.002%). This variant has not been reported in the literature in individuals affected with CDKN2A (p16INK4a)-related conditions. ClinVar contains an entry for this variant (Variation ID: 630389). An algorithm developed to predict the effect of missense changes on protein structure and function (PolyPhen-2) suggests that this variant¬†is likely to be tolerated. In summary, the available evidence is currently insufficient to determine the role of this variant in disease. Therefore, it has been classified as a Variant of Uncertain Significance.

Department of Pathology and Laboratory Medicine, Sinai Health System
Classification: Uncertain significance for Melanoma-pancreatic cancer syndrome. Last evaluated: 2022-08-02. Review status: criteria provided, single submitter. Criteria: ACMG Guidelines, 2015. Collection method: clinical testing. Allele origin: germline. Affected: yes.

Genetic Services Laboratory, University of Chicago
Classification: Uncertain significance. Last evaluated: 2021-06-22. Review status: criteria provided, single submitter. Criteria: ACMG Guidelines, 2015. Collection method: clinical testing. Allele origin: germline. Affected: no.
Comment: DNA sequence analysis of the CDKN2A gene demonstrated a sequence change, c.127A>G, in exon 1 that results in an amino acid change, p.Ser43Gly. This sequence change has been described in the gnomAD database with a frequency of 0.0018% in the non-Finnish European subpopulation (dbSNP rs766854048). The p.Ser43Gly change affects a poorly conserved amino acid residue located in a domain of the CDKN2A protein that is known to be functional. The p.Ser43Gly substitution appears to be benign using several in-silico pathogenicity prediction tools (SIFT, PolyPhen2, Align GVGD, REVEL). This sequence change does not appear to have been previously described in patients with CDKN2A-related disorders. Due to insufficient evidences and the lack of functional studies, the clinical significance of the p.Ile555Val change remains unknown at this time.